The following is an entry in ClinVar:

NM_002843.4(PTPRJ):c.1845G>C (p.Gly615=)

Gene: PTPRJ (protein tyrosine phosphatase receptor type J; plus strand). Cytogenetic location: 11p11.2.
Variant type: single nucleotide variant.
Coding change: c.1845G>C on transcript NM_002843.4 (MANE Select); coding-DNA position 1845, G replaced by C.
Protein change: p.Gly615=; no amino-acid change (glycine 615 retained).
Molecular consequence: synonymous variant.
Genome position (GRCh38, 1-based): chr11:48,136,268, G>C. VCF-style: chr11-48136268-G-C. GRCh37 (hg19) VCF-style: chr11-48157820-G-C.
Identifiers: ClinVar variation 3035874 (VCV003035874.2), dbSNP rs749215508, ClinGen allele CA221750591.
Genomic context (GRCh38, chr11:48,136,268, plus strand): 5'-CCTGATTCCGGGCACCTTATATAACATCACCATCTCTCCAGAAGTGGACCACGTCTGGGG[G>C]GACCCCAACTCCACTGCACAGTACACACGTAAGTCTCTTAGGATGCCCTTCTAAGGAACA-3'
Protein context (NP_002834.3, residues 605-625): TISPEVDHVW[Gly615=]DPNSTAQYTR

ClinVar aggregate classification (germline): Likely benign (0 of 4 stars; one submission).

Conditions:
PTPRJ-related disorder. Also called: PTPRJ-related condition.

Allele frequency attached by ClinVar (database versions not stated): gnomAD 0.00005.
gnomAD v4.1: 24 of 1,614,020 alleles (0.0015%); highest among the groups gnomAD compares: African/African-American, 0.028%; no homozygotes.

Submission:

PreventionGenetics, part of Exact Sciences
Classification: Likely benign for PTPRJ-related condition. Last evaluated: 2024-01-04. Review status: no assertion criteria provided. Collection method: clinical testing. Allele origin: germline.
Comment: This variant is classified as likely benign based on ACMG/AMP sequence variant interpretation guidelines (Richards et al. 2015 PMID: 25741868, with internal and published modifications).